The following is an entry in ClinVar:

ClinVar aggregate classification (germline): other (0 of 4 stars; one submission).

Conditions:
Familial colorectal cancer. Identifiers: MedGen CN280943, MONDO:0023113. Disease mechanism: loss of function.

Allele frequency attached by ClinVar (database versions not stated): 1000 Genomes Project 0.07907; TOPMed 0.04974; 1000 Genomes Project 30x 0.07542.
gnomAD v4.1: 6,748 of 152,144 alleles (4.4%); highest among the groups gnomAD compares: East Asian, 14%; 266 homozygotes.

Submission:

Systems Biology Platform Zhejiang California International NanoSystems Institute
Classification: other for Familial colorectal cancer. Review status: no assertion criteria provided. Collection method: not provided. Allele origin: unknown.
ClinVar note: Converted during submission from cancer to other.

NM_000038.6(APC):c.-18-1966T>G

Gene: APC (APC regulator of WNT signaling pathway; plus strand). Cytogenetic location: 5q22.2.
Variant type: single nucleotide variant.
Coding change: c.-18-1966T>G on transcript NM_000038.6 (MANE Select); 1966 bases into the intron before 18 bases upstream of the start codon, T replaced by G.
Molecular consequence: intron variant.
Genome position (GRCh38, 1-based): chr5:112,752,907, T>G. VCF-style: chr5-112752907-T-G. GRCh37 (hg19) VCF-style: chr5-112088604-T-G.
Other names: c.-18-1966T>G (NM_001354895.2, NM_001127510.3, NM_001354896.2 and 2 more transcripts); c.166-13419T>G (NM_001354897.2, NM_001354902.2, NM_001127511.3); c.61-13419T>G (NM_001354898.2, NM_001354904.2); c.-1053-1966T>G (NM_001354906.2); c.-42-13419T>G (NM_001354900.2, NM_001354901.2, NM_001354905.2).
Identifiers: ClinVar variation 82808 (VCV000082808.2), dbSNP rs6891448, ClinGen allele CA006031.